The following is an entry in ClinVar:

NM_000094.4(COL7A1):c.8109G>A (p.Arg2703=)

Gene: COL7A1 (collagen type VII alpha 1 chain; minus strand). Cytogenetic location: 3p21.31.
Variant type: single nucleotide variant.
Coding change: c.8109G>A on transcript NM_000094.4 (MANE Select); coding-DNA position 8109, G replaced by A.
Protein change: p.Arg2703=; no amino-acid change (arginine 2703 retained).
Molecular consequence: synonymous variant.
Genome position (GRCh38, 1-based): chr3:48,567,128, C>T on the plus strand (G>A on the coding strand, the complement: COL7A1 is on the minus strand). VCF-style: chr3-48567128-C-T. GRCh37 (hg19) VCF-style: chr3-48604561-C-T.
Identifiers: ClinVar variation 2903719 (VCV002903719.2), dbSNP rs2530819587, ClinGen allele CA433616991.

ClinVar aggregate classification (germline): Uncertain significance (1 of 4 stars; one submission).

Allele frequency attached by ClinVar (database versions not stated): gnomAD exomes 0.00001.
gnomAD v4.1: 9 of 1,614,052 alleles (0.00056%); highest among the groups gnomAD compares: Non-Finnish European, 0.00059%; no homozygotes.

Submission:

Labcorp Genetics (formerly Invitae), Labcorp
Classification: Uncertain significance. Last evaluated: 2023-02-08. Review status: criteria provided, single submitter. Criteria: Invitae Variant Classification Sherloc (09022015). Collection method: clinical testing. Allele origin: germline.
Comment: This variant has not been reported in the literature in individuals affected with COL7A1-related conditions. This variant is not present in population databases (gnomAD no frequency). This sequence change affects codon 2703 of the COL7A1 mRNA. It is a 'silent' change, meaning that it does not change the encoded amino acid sequence of the COL7A1 protein. This variant also falls at the last nucleotide of exon 109, which is part of the consensus splice site for this exon. Variants that disrupt the consensus splice site are a relatively common cause of aberrant splicing (PMID: 17576681, 9536098). Algorithms developed to predict the effect of sequence changes on RNA splicing suggest that this variant may create or strengthen a splice site. In summary, the available evidence is currently insufficient to determine the role of this variant in disease. Therefore, it has been classified as a Variant of Uncertain Significance.

Literature cited by the submitters: PubMed 17576681; PubMed 9536098.